The following is an entry in ClinVar:

ClinVar aggregate classification (germline): Pathogenic/Likely pathogenic. Review status: criteria provided, multiple submitters, no conflicts (2 of 4 stars). 4 submissions from 4 submitters: Pathogenic (2); Likely pathogenic (2). Last evaluated 2025-01-22.

Conditions:
ACVRL1-related disorder. Also called: ACVRL1-related condition; ACVRL1-related disorders.
Telangiectasia, hereditary hemorrhagic, type 2 (HHT2). Also called: Telangiectasia, hereditary hemorrhagic, type II; ACVRL1-Related Hereditary Hemorrhagic Telangiectasia. Identifiers: Orphanet 774, MedGen C1838163, MONDO:0010880, OMIM 600376. Disease mechanism: loss of function.
Cardiovascular phenotype. Identifiers: MedGen CN230736.

Submissions (4):

Labcorp Genetics (formerly Invitae), Labcorp
Classification: Pathogenic for Telangiectasia, hereditary hemorrhagic, type 2. Last evaluated: 2025-01-22. Review status: criteria provided, single submitter. Criteria: Invitae Variant Classification Sherloc (09022015). Collection method: clinical testing. Allele origin: germline.
Comment: This sequence change replaces cysteine, which is neutral and slightly polar, with arginine, which is basic and polar, at codon 89 of the ACVRL1 protein (p.Cys89Arg). This variant is not present in population databases (gnomAD no frequency). This missense change has been observed in individual(s) with clinical features of hereditary hemorrhagic telangiectasia (PMID: 32300199; internal data). ClinVar contains an entry for this variant (Variation ID: 439381). Invitae Evidence Modeling of protein sequence and biophysical properties (such as structural, functional, and spatial information, amino acid conservation, physicochemical variation, residue mobility, and thermodynamic stability) indicates that this missense variant is expected to disrupt ACVRL1 protein function with a positive predictive value of 95%. This variant affects a cysteine residue located within the ACVRL1 protein ectodomain. Cysteine residues in this domain of ACVRL1 are involved in the formation of disulfide bridges critical for protein structure and stability (PMID: 22028876, 22718755, 22799562). In addition, missense substitutions within the ACVRL1 ectodomain affecting cysteine residues are overrepresented in patients with HHT (PMID: 20501893, 26176610 and an online resource). This variant disrupts the p.Cys89 amino acid residue in ACVRL1. Other variant(s) that disrupt this residue have been observed in individuals with ACVRL1-related conditions (internal data), which suggests that this may be a clinically significant amino acid residue. For these reasons, this variant has been classified as Pathogenic.

Blueprint Genetics
Classification: Likely pathogenic for ACVRL1-related disorders. Last evaluated: 2024-09-25. Review status: criteria provided, single submitter. Criteria: ACMG Guidelines, 2015. Collection method: clinical testing. Allele origin: germline. Affected: yes. Observed: 2 variant alleles.

Ambry Genetics
Classification: Likely pathogenic for Cardiovascular phenotype. Last evaluated: 2021-12-06. Review status: criteria provided, single submitter. Criteria: Ambry Variant Classification Scheme 2023. Collection method: clinical testing. Allele origin: germline.
Comment: The p.C89R variant (also known as c.265T>C), located in coding exon 2 of the ACVRL1 gene, results from a T to C substitution at nucleotide position 265. The cysteine at codon 89 is replaced by arginine, an amino acid with highly dissimilar properties. This alteration has been reported in an individual with a clinical diagnosis of hereditary hemorrhagic telangiectasia (HHT), as well as in individuals with concerns for HHT (McDonald J et al. Genet Med, 2020 07;22:1201-1205; Major T et al. J Clin Med, 2021 Aug;10:[ePub ahead of print]; Ambry internal data). This amino acid position is highly conserved in available vertebrate species. In addition, this alteration is predicted to be deleterious by in silico analysis. Based on the majority of available evidence to date, this variant is likely to be pathogenic.

ARUP Laboratories, Molecular Genetics and Genomics, ARUP Laboratories
Classification: Pathogenic. Last evaluated: 2016-10-16. Review status: criteria provided, single submitter. Criteria: ARUP Molecular Germline Variant Investigation Process. Collection method: clinical testing. Allele origin: germline.

Literature cited by the submitters: PubMed 32300199 (cited by Labcorp Genetics (formerly Invitae), Labcorp and Ambry Genetics); PubMed 22028876 (cited by Labcorp Genetics (formerly Invitae), Labcorp); PubMed 22718755 (cited by Labcorp Genetics (formerly Invitae), Labcorp); PubMed 22799562 (cited by Labcorp Genetics (formerly Invitae), Labcorp); PubMed 20501893 (cited by Labcorp Genetics (formerly Invitae), Labcorp); PubMed 26176610 (cited by Labcorp Genetics (formerly Invitae), Labcorp); PubMed 34501220 (cited by Ambry Genetics).

NM_000020.3(ACVRL1):c.265T>C (p.Cys89Arg)

Gene: ACVRL1 (activin A receptor like type 1; plus strand). Cytogenetic location: 12q13.13.
Variant type: single nucleotide variant.
Coding change: c.265T>C on transcript NM_000020.3 (MANE Select); coding-DNA position 265, T replaced by C.
Protein change: p.Cys89Arg; replaces cysteine 89 with arginine.
Molecular consequence: missense variant.
Genome position (GRCh38, 1-based): chr12:51,913,302, T>C. VCF-style: chr12-51913302-T-C. GRCh37 (hg19) VCF-style: chr12-52307086-T-C.
Other names: c.265T>C, p.Cys89Arg (NM_001077401.2); short protein forms C89R.
Identifiers: ClinVar variation 439381 (VCV000439381.17), dbSNP rs1555152520, ClinGen allele CA384898033.